The following is an entry in ClinVar:

ClinVar aggregate classification (germline): Likely pathogenic (1 of 4 stars; one submission).

Conditions:
Dilated cardiomyopathy 1G (CMD1G). Identifiers: Orphanet 154, MedGen C1858763, MONDO:0011400, OMIM 604145.

Submission:

Neuberg Centre For Genomic Medicine, NCGM
Classification: Likely pathogenic for Dilated cardiomyopathy 1G. Last evaluated: 2024-02-01. Review status: criteria provided, single submitter. Criteria: ACMG Guidelines, 2015. Collection method: clinical testing. Allele origin: germline. Inheritance: Autosomal dominant inheritance. Affected: yes.
Comment: This variant in TTN gene has not been reported previously as a pathogenic variant nor as a benign variant, to our knowledge.

NM_001267550.2(TTN):c.9819C>A (p.Tyr3273Ter)

Gene: TTN (titin; minus strand). Cytogenetic location: 2q31.2.
Variant type: single nucleotide variant.
Coding change: c.9819C>A on transcript NM_001267550.2 (MANE Select); coding-DNA position 9819, C replaced by A.
Protein change: p.Tyr3273Ter; replaces tyrosine 3273 with a stop codon.
Molecular consequence: nonsense.
Genome position (GRCh38, 1-based): chr2:178,764,696, G>T on the plus strand (C>A on the coding strand, the complement: TTN is on the minus strand). VCF-style: chr2-178764696-G-T. GRCh37 (hg19) VCF-style: chr2-179629423-G-T.
Other names: c.9819C>A, p.Tyr3273Ter (NM_001256850.1, NM_133378.4, NM_133379.5); c.9681C>A, p.Tyr3227Ter (NM_003319.4, NM_133432.3, NM_133437.4); short protein forms Y3227*, Y3273*.
Identifiers: ClinVar variation 3895519 (VCV003895519.1).